The following is an entry in ClinVar:

NM_013275.6(ANKRD11):c.4794C>G (p.His1598Gln)

Gene: ANKRD11 (ankyrin repeat domain 11; minus strand). Cytogenetic location: 16q24.3.
Variant type: single nucleotide variant.
Coding change: c.4794C>G on transcript NM_013275.6 (MANE Select); coding-DNA position 4794, C replaced by G.
Protein change: p.His1598Gln; replaces histidine 1598 with glutamine.
Molecular consequence: missense variant.
Genome position (GRCh38, 1-based): chr16:89,281,748, G>C on the plus strand (C>G on the coding strand, the complement: ANKRD11 is on the minus strand). VCF-style: chr16-89281748-G-C. GRCh37 (hg19) VCF-style: chr16-89348156-G-C.
Other names: c.4794C>G, p.His1598Gln (NM_001256182.2, NM_001256183.2); short protein forms H1598Q.
Identifiers: ClinVar variation 3706058 (VCV003706058.2).

ClinVar aggregate classification (germline): Uncertain significance (1 of 4 stars; one submission).

Conditions:
KBG syndrome (KBGS). Also called: ANKRD11-Related KBG Syndrome. Identifiers: Orphanet 2332, MedGen C0220687, MONDO:0007846, OMIM 148050.

gnomAD v4.1: 1 of 1,613,964 alleles (0.000062%); highest among the groups gnomAD compares: Non-Finnish European, 0.000085%; no homozygotes.

Submission:

Labcorp Genetics (formerly Invitae), Labcorp
Classification: Uncertain significance for KBG syndrome. Last evaluated: 2024-12-22. Review status: criteria provided, single submitter. Criteria: Invitae Variant Classification Sherloc (09022015). Collection method: clinical testing. Allele origin: germline.
Comment: This sequence change replaces histidine, which is basic and polar, with glutamine, which is neutral and polar, at codon 1598 of the ANKRD11 protein (p.His1598Gln). This variant is not present in population databases (gnomAD no frequency). This variant has not been reported in the literature in individuals affected with ANKRD11-related conditions. Invitae Evidence Modeling of protein sequence and biophysical properties (such as structural, functional, and spatial information, amino acid conservation, physicochemical variation, residue mobility, and thermodynamic stability) has been performed for this missense variant. However, the output from this modeling did not meet the statistical confidence thresholds required to predict the impact of this variant on ANKRD11 protein function. In summary, the available evidence is currently insufficient to determine the role of this variant in disease. Therefore, it has been classified as a Variant of Uncertain Significance.